The following is an entry in ClinVar:

NM_004360.5(CDH1):c.812_833-564del

Gene: CDH1 (cadherin 1; plus strand). Cytogenetic location: 16q22.1.
Variant type: Deletion.
Coding change: c.812_833-564del on transcript NM_004360.5 (MANE Select); coding-DNA position 812 through 564 bases into the intron before coding-DNA position 833, 800 bases deleted.
Molecular consequence: splice donor variant.
Genome position (GRCh38, 1-based): chr16:68,810,321-68,811,120, 800 bases deleted. GRCh37 (hg19): chr16:68,844,224-68,845,023.
Other names: c.-804_-783-564del (NM_001317185.2); c.-1008_-987-564del (NM_001317186.2); c.812_833-564del (NM_001317184.2).
Identifiers: ClinVar variation 933763 (VCV000933763.1), dbSNP rs1960785868, ClinGen allele CA1139664754.

ClinVar aggregate classification (germline): Likely pathogenic (1 of 4 stars; one submission).

Conditions:
Hereditary diffuse gastric adenocarcinoma (HDGC). Also called: DIFFUSE GASTRIC AND LOBULAR BREAST CANCER SYNDROME. Identifiers: Orphanet 26106, MedGen C1708349, MONDO:0007648, OMIM 137215.

Submission:

Labcorp Genetics (formerly Invitae), Labcorp
Classification: Likely pathogenic for Hereditary diffuse gastric cancer. Last evaluated: 2019-09-23. Review status: criteria provided, single submitter. Criteria: Invitae Variant Classification Sherloc (09022015). Collection method: clinical testing. Allele origin: germline.
Comment: This variant results in the deletion of part of exon 6 (c.809_833-567del) of the CDH1 gene. It is expected to disrupt RNA splicing and likely results in an absent or disrupted protein product. This variant has not been reported in the literature in individuals with CDH1-related conditions. Loss-of-function variants in CDH1 are known to be pathogenic (PMID: 15235021, 20373070). In summary, the currently available evidence indicates that the variant is pathogenic, but additional data are needed to prove that conclusively. Therefore, this variant has been classified as Likely Pathogenic.